The following is an entry in ClinVar:

NM_005560.6(LAMA5):c.9933C>T (p.Thr3311=)

Gene: LAMA5 (laminin subunit alpha 5; minus strand). Cytogenetic location: 20q13.33.
Variant type: single nucleotide variant.
Coding change: c.9933C>T on transcript NM_005560.6 (MANE Select); coding-DNA position 9933, C replaced by T.
Protein change: p.Thr3311=; no amino-acid change (threonine 3311 retained).
Molecular consequence: synonymous variant.
Genome position (GRCh38, 1-based): chr20:62,311,410, G>A on the plus strand (C>T on the coding strand, the complement: LAMA5 is on the minus strand). VCF-style: chr20-62311410-G-A. GRCh37 (hg19) VCF-style: chr20-60886466-G-A.
Identifiers: ClinVar variation 3039392 (VCV003039392.3), dbSNP rs765972836, ClinGen allele CA9940006.

ClinVar aggregate classification (germline): Likely benign. Review status: criteria provided, single submitter (1 of 4 stars). 2 submissions from 2 submitters: Likely benign (1). 1 of the submissions does not count toward it. Last evaluated 2025-12-23.

Conditions:
LAMA5-related disorder. Also called: LAMA5-related condition; LAMA5-Related Disorders.

Allele frequency attached by ClinVar (database versions not stated): TOPMed 0.00002; gnomAD 0.00003; gnomAD exomes 0.00003; ExAC 0.00013.

Submissions (2):

Labcorp Genetics (formerly Invitae), Labcorp
Classification: Likely benign. Last evaluated: 2025-12-23. Review status: criteria provided, single submitter. Criteria: Invitae Variant Classification Sherloc (09022015). Collection method: clinical testing. Allele origin: germline.

PreventionGenetics, part of Exact Sciences
Classification: Likely benign for LAMA5-related condition. Last evaluated: 2019-05-28. Review status: no assertion criteria provided. Collection method: clinical testing. Allele origin: germline. Not counted in ClinVar's aggregate classification.
Comment: This variant is classified as likely benign based on ACMG/AMP sequence variant interpretation guidelines (Richards et al. 2015 PMID: 25741868, with internal and published modifications).